The following is an entry in ClinVar:

ClinVar aggregate classification (germline): Likely benign (0 of 4 stars; one submission).

Conditions:
RPS24-related disorder. Also called: RPS24-related condition.

Submission:

PreventionGenetics, part of Exact Sciences
Classification: Likely benign for RPS24-related condition. Last evaluated: 2024-07-19. Review status: no assertion criteria provided. Collection method: clinical testing. Allele origin: germline.
Comment: This variant is classified as likely benign based on ACMG/AMP sequence variant interpretation guidelines (Richards et al. 2015 PMID: 25741868, with internal and published modifications).

NM_033022.4(RPS24):c.279+4G>C

Gene: RPS24 (ribosomal protein S24; plus strand). Cytogenetic location: 10q22.3.
Variant type: single nucleotide variant.
Coding change: c.279+4G>C on transcript NM_033022.4 (MANE Select); 4 bases into the intron after coding-DNA position 279, G replaced by C.
Molecular consequence: intron variant.
Genome position (GRCh38, 1-based): chr10:78,035,724, G>C. VCF-style: chr10-78035724-G-C. GRCh37 (hg19) VCF-style: chr10-79795482-G-C.
Other names: c.279+4G>C (NM_001142285.2, NM_001142283.2, NM_001142282.2 and 2 more transcripts).
Identifiers: ClinVar variation 3352813 (VCV003352813.1).